The following is an entry in ClinVar:

ClinVar aggregate classification (germline): Conflicting classifications of pathogenicity. Review status: criteria provided, conflicting classifications (1 of 4 stars). 2 submissions from 2 submitters: Uncertain significance (1); Likely benign (1). Last evaluated 2024-04-05.

Conditions:
Mosaic variegated aneuploidy syndrome 1 (MVA1). Also called: Warburton-Anyane-Yeboa syndrome. Identifiers: Orphanet 1052, MedGen C1850343, MONDO:0009759, OMIM 257300.
Inborn genetic diseases. Identifiers: MedGen C0950123, MeSH D030342.

gnomAD v4.1: 59 of 1,614,048 alleles (0.0037%); highest among the groups gnomAD compares: Non-Finnish European, 0.0047%; no homozygotes.

Submissions (2):

Labcorp Genetics (formerly Invitae), Labcorp
Classification: Uncertain significance for Mosaic variegated aneuploidy syndrome 1. Last evaluated: 2024-04-05. Review status: criteria provided, single submitter. Criteria: Invitae Variant Classification Sherloc (09022015). Collection method: clinical testing. Allele origin: germline.
Comment: This sequence change replaces serine, which is neutral and polar, with asparagine, which is neutral and polar, at codon 661 of the BUB1B protein (p.Ser661Asn). This variant is present in population databases (no rsID available, gnomAD 0.004%). This variant has not been reported in the literature in individuals affected with BUB1B-related conditions. ClinVar contains an entry for this variant (Variation ID: 1428851). Algorithms developed to predict the effect of missense changes on protein structure and function output the following: SIFT: "Not Available"; PolyPhen-2: "Benign"; Align-GVGD: "Not Available". The asparagine amino acid residue is found in multiple mammalian species, which suggests that this missense change does not adversely affect protein function. In summary, the available evidence is currently insufficient to determine the role of this variant in disease. Therefore, it has been classified as a Variant of Uncertain Significance.

Ambry Genetics
Classification: Likely benign for Inborn genetic diseases. Last evaluated: 2022-09-26. Review status: criteria provided, single submitter. Criteria: Ambry Variant Classification Scheme 2023. Collection method: clinical testing. Allele origin: germline.

NM_001211.6(BUB1B):c.1982G>A (p.Ser661Asn)

Gene: BUB1B (BUB1 mitotic checkpoint serine/threonine kinase B; plus strand). Cytogenetic location: 15q15.1.
Variant type: single nucleotide variant.
Coding change: c.1982G>A on transcript NM_001211.6 (MANE Select); coding-DNA position 1982, G replaced by A.
Protein change: p.Ser661Asn; replaces serine 661 with asparagine.
Molecular consequence: missense variant.
Genome position (GRCh38, 1-based): chr15:40,206,431, G>A. VCF-style: chr15-40206431-G-A. GRCh37 (hg19) VCF-style: chr15-40498632-G-A.
Other names: short protein forms S661N.
Identifiers: ClinVar variation 1428851 (VCV001428851.8), dbSNP rs746933398, ClinGen allele CA268798186.